The following is an entry in ClinVar:

NM_001281775.3(ZMYND8):c.1892A>T (p.Lys631Met)

Gene: ZMYND8 (zinc finger MYND-type containing 8; minus strand). Cytogenetic location: 20q13.12.
Variant type: single nucleotide variant.
Coding change: c.1892A>T on transcript NM_001281775.3 (MANE Select); coding-DNA position 1892, A replaced by T.
Protein change: p.Lys631Met; replaces lysine 631 with methionine.
Molecular consequence: missense variant.
Genome position (GRCh38, 1-based): chr20:47,246,400, T>A on the plus strand (A>T on the coding strand, the complement: ZMYND8 is on the minus strand). VCF-style: chr20-47246400-T-A. GRCh37 (hg19) VCF-style: chr20-45875144-T-A.
Other names: c.1676A>T, p.Lys559Met (NM_001281784.3, NM_001281781.3); c.1913A>T, p.Lys638Met (NM_001363714.1); c.1832A>T, p.Lys611Met (NM_001363741.2, NM_001281774.3, NM_001281772.3 and 1 more transcripts); c.1892A>T, p.Lys631Met (NM_012408.6, NM_183047.4, NM_001281776.3 and 1 more transcripts); c.1817A>T, p.Lys606Met (NM_183048.4, NM_001281777.3, NM_001281778.3 and 2 more transcripts); c.1088A>T, p.Lys363Met (NM_001281779.3, NM_001281780.3); short protein forms K363M, K559M, K606M, K611M, K631M, K638M.
Identifiers: ClinVar variation 4538721 (VCV004538721.1).

ClinVar aggregate classification (germline): Uncertain significance (1 of 4 stars; one submission).

Submission:

GeneDx
Classification: Uncertain significance. Last evaluated: 2025-06-17. Review status: criteria provided, single submitter. Criteria: GeneDx Variant Classification Process June 2021. Collection method: clinical testing. Allele origin: germline. Affected: yes.
Comment: Not observed at significant frequency in large population cohorts (gnomAD); In silico analysis supports that this missense variant has a deleterious effect on protein structure/function; Has not been previously published as pathogenic or benign to our knowledge